The following is an entry in ClinVar:

ClinVar aggregate classification (germline): Uncertain significance (1 of 4 stars; one submission).

Conditions:
Dyskeratosis congenita, autosomal recessive 6 (DKCB6). Identifiers: MedGen C4225356, MONDO:0014600, OMIM 616353.
Pulmonary fibrosis and/or bone marrow failure, Telomere-related, 4. Also called: PULMONARY FIBROSIS AND/OR BONE MARROW FAILURE SYNDROME, TELOMERE-RELATED, 4. Identifiers: Orphanet 2032, MedGen C4225347, MONDO:0014612, OMIM 616371.

Allele frequency attached by ClinVar (database versions not stated): gnomAD exomes 0.00001.
gnomAD v4.1: 16 of 1,613,852 alleles (0.00099%); highest among the groups gnomAD compares: Non-Finnish European, 0.0013%; no homozygotes.

Submission:

Labcorp Genetics (formerly Invitae), Labcorp
Classification: Uncertain significance for Dyskeratosis congenita, autosomal recessive 6; Pulmonary fibrosis and/or bone marrow failure, Telomere-related, 4. Last evaluated: 2025-12-22. Review status: criteria provided, single submitter. Criteria: Invitae Variant Classification Sherloc (09022015). Collection method: clinical testing. Allele origin: germline.
Comment: This sequence change replaces arginine, which is basic and polar, with lysine, which is basic and polar, at codon 567 of the PARN protein (p.Arg567Lys). This variant is present in population databases (no rsID available, gnomAD 0.003%). This variant has not been reported in the literature in individuals affected with PARN-related conditions. ClinVar contains an entry for this variant (Variation ID: 2173970). An algorithm developed to predict the effect of missense changes on protein structure and function (PolyPhen-2) suggests that this variant is likely to be tolerated. In summary, the available evidence is currently insufficient to determine the role of this variant in disease. Therefore, it has been classified as a Variant of Uncertain Significance.

NM_002582.4(PARN):c.1700G>A (p.Arg567Lys)

Gene: PARN (poly(A)-specific ribonuclease; minus strand). Cytogenetic location: 16p13.12.
Variant type: single nucleotide variant.
Coding change: c.1700G>A on transcript NM_002582.4 (MANE Select); coding-DNA position 1700, G replaced by A.
Protein change: p.Arg567Lys; replaces arginine 567 with lysine.
Molecular consequence: missense variant.
Genome position (GRCh38, 1-based): chr16:14,447,052, C>T on the plus strand (G>A on the coding strand, the complement: PARN is on the minus strand). VCF-style: chr16-14447052-C-T. GRCh37 (hg19) VCF-style: chr16-14540909-C-T.
Other names: c.1517G>A, p.Arg506Lys (NM_001134477.3); c.1562G>A, p.Arg521Lys (NM_001242992.2); short protein forms R521K, R567K, R506K.
Identifiers: ClinVar variation 2173970 (VCV002173970.4), dbSNP rs1466683681, ClinGen allele CA395184566.